The following is an entry in ClinVar:

ClinVar aggregate classification (germline): Uncertain significance. Review status: criteria provided, multiple submitters, no conflicts (2 of 4 stars). 2 submissions from 2 submitters: Uncertain significance (2). Last evaluated 2025-06-23.

Conditions:
Cardiovascular phenotype. Identifiers: MedGen CN230736.
Brugada syndrome. Also called: Sudden Unexplained Death Syndrome; Sudden Unexplained Nocturnal Death Syndrome (SUNDS); Sudden unexpected nocturnal death syndrome; Sudden unexplained nocturnal death syndrome. Identifiers: Orphanet 130, MedGen C1142166, MONDO:0015263.

Allele frequency attached by ClinVar (database versions not stated): TOPMed below 0.00001; gnomAD 0.00001; gnomAD exomes 0.00001; ExAC 0.00003.
gnomAD v4.1: 9 of 1,590,686 alleles (0.00057%); highest among the groups gnomAD compares: East Asian, 0.0068%; no homozygotes.

Submissions (2):

Ambry Genetics
Classification: Uncertain significance for Cardiovascular phenotype. Last evaluated: 2025-06-23. Review status: criteria provided, single submitter. Criteria: Ambry Variant Classification Scheme 2023. Collection method: clinical testing. Allele origin: germline.
Comment: The p.I929V variant (also known as c.2785A>G), located in coding exon 35 of the CACNA2D1 gene, results from an A to G substitution at nucleotide position 2785. The isoleucine at codon 929 is replaced by valine, an amino acid with highly similar properties. This amino acid position is conserved. In addition, this alteration is predicted to be tolerated by in silico analysis. Based on the available evidence, the clinical significance of this variant remains unclear.

Labcorp Genetics (formerly Invitae), Labcorp
Classification: Uncertain significance for Brugada syndrome. Last evaluated: 2023-08-17. Review status: criteria provided, single submitter. Criteria: Invitae Variant Classification Sherloc (09022015). Collection method: clinical testing. Allele origin: germline.
Comment: This sequence change replaces isoleucine, which is neutral and non-polar, with valine, which is neutral and non-polar, at codon 929 of the CACNA2D1 protein (p.Ile929Val). This variant is present in population databases (rs774978800, gnomAD 0.01%). This variant has not been reported in the literature in individuals affected with CACNA2D1-related conditions. ClinVar contains an entry for this variant (Variation ID: 1469313). An algorithm developed to predict the effect of missense changes on protein structure and function (PolyPhen-2) suggests that this variant is likely to be tolerated. In summary, the available evidence is currently insufficient to determine the role of this variant in disease. Therefore, it has been classified as a Variant of Uncertain Significance.

NM_000722.4(CACNA2D1):c.2785A>G (p.Ile929Val)

Gene: CACNA2D1 (calcium voltage-gated channel auxiliary subunit alpha2delta 1; minus strand). Cytogenetic location: 7q21.11.
Variant type: single nucleotide variant.
Coding change: c.2785A>G on transcript NM_000722.4 (MANE Select); coding-DNA position 2785, A replaced by G.
Protein change: p.Ile929Val; replaces isoleucine 929 with valine.
Molecular consequence: missense variant.
Genome position (GRCh38, 1-based): chr7:81,962,491, T>C on the plus strand (A>G on the coding strand, the complement: CACNA2D1 is on the minus strand). VCF-style: chr7-81962491-T-C. GRCh37 (hg19) VCF-style: chr7-81591807-T-C.
Other names: c.2821A>G, p.Ile941Val (NM_001366867.1); c.2785A>G (NM_000722.2); short protein forms I941V, I929V.
Identifiers: ClinVar variation 1469313 (VCV001469313.9), dbSNP rs774978800, ClinGen allele CA4317485.